The following is an entry in ClinVar:

ClinVar aggregate classification (germline): Likely benign (0 of 4 stars; one submission).

Conditions:
ATP10A-related disorder. Also called: ATP10A-related condition.

Allele frequency attached by ClinVar (database versions not stated): ExAC 0.00036; 1000 Genomes Project 0.00080; gnomAD 0.00104; TOPMed 0.00113; 1000 Genomes Project 30x 0.00141; ESP Exome Variant Server 0.00146.
gnomAD v4.1: 338 of 1,614,168 alleles (0.021%); highest among the groups gnomAD compares: African/African-American, 0.4%; no homozygotes.

Submission:

PreventionGenetics, part of Exact Sciences
Classification: Likely benign for ATP10A-related condition. Last evaluated: 2019-10-28. Review status: no assertion criteria provided. Collection method: clinical testing. Allele origin: germline.
Comment: This variant is classified as likely benign based on ACMG/AMP sequence variant interpretation guidelines (Richards et al. 2015 PMID: 25741868, with internal and published modifications).

NM_024490.4(ATP10A):c.492C>T (p.His164=)

Gene: ATP10A (ATPase phospholipid transporting 10A (putative); minus strand). Cytogenetic location: 15q12.
Variant type: single nucleotide variant.
Coding change: c.492C>T on transcript NM_024490.4 (MANE Select); coding-DNA position 492, C replaced by T.
Protein change: p.His164=; no amino-acid change (histidine 164 retained).
Molecular consequence: synonymous variant.
Genome position (GRCh38, 1-based): chr15:25,781,181, G>A on the plus strand (C>T on the coding strand, the complement: ATP10A is on the minus strand). VCF-style: chr15-25781181-G-A. GRCh37 (hg19) VCF-style: chr15-26026328-G-A.
Identifiers: ClinVar variation 3040850 (VCV003040850.2), dbSNP rs141087427, ClinGen allele CA7437157.